The following is an entry in ClinVar:

NM_001540.5(HSPB1):c.175C>T (p.Pro59Ser)

Gene: HSPB1 (heat shock protein family B (small) member 1; plus strand). Cytogenetic location: 7q11.23.
Variant type: single nucleotide variant.
Coding change: c.175C>T on transcript NM_001540.5 (MANE Select); coding-DNA position 175, C replaced by T.
Protein change: p.Pro59Ser; replaces proline 59 with serine.
Molecular consequence: missense variant.
Genome position (GRCh38, 1-based): chr7:76,302,887, C>T. VCF-style: chr7-76302887-C-T. GRCh37 (hg19) VCF-style: chr7-75932204-C-T.
Other names: short protein forms P59S.
Identifiers: ClinVar variation 1300578 (VCV001300578.6), dbSNP rs763084460, ClinGen allele CA160899230.

ClinVar aggregate classification (germline): Uncertain significance. Review status: criteria provided, multiple submitters, no conflicts (2 of 4 stars). 2 submissions from 2 submitters: Uncertain significance (2). Last evaluated 2022-04-08.

Conditions:
Charcot-Marie-Tooth disease axonal type 2F (CMT2F). Also called: CHARCOT-MARIE-TOOTH DISEASE, NEURONAL, TYPE 2F; Charcot-Marie-Tooth Neuropathy Type 2F. Identifiers: Orphanet 99940, MedGen C1847823, MONDO:0011687, OMIM 606595.

gnomAD v4.1: 9 of 1,560,172 alleles (0.00058%); highest among the groups gnomAD compares: Middle Eastern, 0.019%; no homozygotes.

Submissions (2):

Labcorp Genetics (formerly Invitae), Labcorp
Classification: Uncertain significance for Charcot-Marie-Tooth disease axonal type 2F. Last evaluated: 2022-04-08. Review status: criteria provided, single submitter. Criteria: Invitae Variant Classification Sherloc (09022015). Collection method: clinical testing. Allele origin: germline.
Comment: This variant is not present in population databases (gnomAD no frequency). This sequence change replaces proline, which is neutral and non-polar, with serine, which is neutral and polar, at codon 59 of the HSPB1 protein (p.Pro59Ser). This variant has not been reported in the literature in individuals affected with HSPB1-related conditions. ClinVar contains an entry for this variant (Variation ID: 1300578). Advanced modeling of protein sequence and biophysical properties (such as structural, functional, and spatial information, amino acid conservation, physicochemical variation, residue mobility, and thermodynamic stability) performed at Invitae indicates that this missense variant is not expected to disrupt HSPB1 protein function. In summary, the available evidence is currently insufficient to determine the role of this variant in disease. Therefore, it has been classified as a Variant of Uncertain Significance.

GeneDx
Classification: Uncertain significance. Last evaluated: 2021-09-07. Review status: criteria provided, single submitter. Criteria: GeneDx Variant Classification Process June 2021. Collection method: clinical testing. Allele origin: germline. Affected: yes.
Comment: Has not been previously published as pathogenic or benign to our knowledge; In silico analysis supports that this missense variant does not alter protein structure/function; This variant is associated with the following publications: (PMID: 26243512)